The following is an entry in ClinVar:

ClinVar aggregate classification (germline): Uncertain significance (1 of 4 stars; one submission).

Conditions:
Nephronophthisis 15 (NPHP15). Identifiers: Orphanet 3156, MedGen C3541853, MONDO:0013917, OMIM 614845.

Submission:

Labcorp Genetics (formerly Invitae), Labcorp
Classification: Uncertain significance for Nephronophthisis 15. Last evaluated: 2022-02-24. Review status: criteria provided, single submitter. Criteria: Invitae Variant Classification Sherloc (09022015). Collection method: clinical testing. Allele origin: germline.
Comment: In summary, the available evidence is currently insufficient to determine the role of this variant in disease. Therefore, it has been classified as a Variant of Uncertain Significance. Algorithms developed to predict the effect of missense changes on protein structure and function are either unavailable or do not agree on the potential impact of this missense change (SIFT: "Deleterious"; PolyPhen-2: "Benign"; Align-GVGD: "Class C0"). This variant has not been reported in the literature in individuals affected with CEP164-related conditions. This variant is not present in population databases (gnomAD no frequency). This sequence change replaces isoleucine, which is neutral and non-polar, with phenylalanine, which is neutral and non-polar, at codon 1281 of the CEP164 protein (p.Ile1281Phe).

NM_014956.5(CEP164):c.3841A>T (p.Ile1281Phe)

Gene: CEP164 (centrosomal protein 164; plus strand). Cytogenetic location: 11q23.3.
Variant type: single nucleotide variant.
Coding change: c.3841A>T on transcript NM_014956.5 (MANE Select); coding-DNA position 3841, A replaced by T.
Protein change: p.Ile1281Phe; replaces isoleucine 1281 with phenylalanine.
Molecular consequence: missense variant.
Genome position (GRCh38, 1-based): chr11:117,409,710, A>T. VCF-style: chr11-117409710-A-T. GRCh37 (hg19) VCF-style: chr11-117280426-A-T.
Other names: c.3826A>T, p.Ile1276Phe (NM_001271933.2); short protein forms I1276F, I1281F.
Identifiers: ClinVar variation 1465778 (VCV001465778.6), dbSNP rs2047109121, ClinGen allele CA382743888.